The following is an entry in ClinVar:

ClinVar aggregate classification (germline): Uncertain significance. Review status: criteria provided, multiple submitters, no conflicts (2 of 4 stars). 2 submissions from 2 submitters: Uncertain significance (2). Last evaluated 2024-02-16.

Conditions:
Inborn genetic diseases. Identifiers: MedGen C0950123, MeSH D030342.
Developmental and epileptic encephalopathy, 53. Also called: Epileptic encephalopathy, early infantile, 53. Identifiers: MedGen C4479313, MONDO:0033362, OMIM 617389.
Early-onset Parkinson disease 20. Also called: PARKINSON DISEASE 20, AUTOSOMAL RECESSIVE EARLY-ONSET. Identifiers: Orphanet 391411, MedGen C3809824, MONDO:0014233, OMIM 615530.

Allele frequency attached by ClinVar (database versions not stated): TOPMed 0.00002.
gnomAD v4.1: 30 of 1,613,978 alleles (0.0019%); highest among the groups gnomAD compares: African/African-American, 0.0053%; no homozygotes.

Submissions (2):

Labcorp Genetics (formerly Invitae), Labcorp
Classification: Uncertain significance for Developmental and epileptic encephalopathy, 53; Early-onset Parkinson disease 20. Last evaluated: 2024-02-16. Review status: criteria provided, single submitter. Criteria: Invitae Variant Classification Sherloc (09022015). Collection method: clinical testing. Allele origin: germline.
Comment: This sequence change replaces arginine, which is basic and polar, with tryptophan, which is neutral and slightly polar, at codon 1252 of the SYNJ1 protein (p.Arg1252Trp). This variant is present in population databases (rs779662077, gnomAD 0.008%). This variant has not been reported in the literature in individuals affected with SYNJ1-related conditions. ClinVar contains an entry for this variant (Variation ID: 1020401). Advanced modeling of protein sequence and biophysical properties (such as structural, functional, and spatial information, amino acid conservation, physicochemical variation, residue mobility, and thermodynamic stability) performed at Invitae indicates that this missense variant is not expected to disrupt SYNJ1 protein function with a negative predictive value of 80%. In summary, the available evidence is currently insufficient to determine the role of this variant in disease. Therefore, it has been classified as a Variant of Uncertain Significance.

Ambry Genetics
Classification: Uncertain significance for Inborn genetic diseases. Last evaluated: 2021-04-20. Review status: criteria provided, single submitter. Criteria: Ambry Variant Classification Scheme 2023. Collection method: clinical testing. Allele origin: germline.

NM_203446.3(SYNJ1):c.3637C>T (p.Arg1213Trp)

Gene: SYNJ1 (synaptojanin 1; minus strand). Cytogenetic location: 21q22.11.
Variant type: single nucleotide variant.
Coding change: c.3637C>T on transcript NM_203446.3 (MANE Select); coding-DNA position 3637, C replaced by T.
Protein change: p.Arg1213Trp; replaces arginine 1213 with tryptophan.
Molecular consequence: missense variant.
Genome position (GRCh38, 1-based): chr21:32,639,731, G>A on the plus strand (C>T on the coding strand, the complement: SYNJ1 is on the minus strand). VCF-style: chr21-32639731-G-A. GRCh37 (hg19) VCF-style: chr21-34012041-G-A.
Other names: c.3589C>T, p.Arg1197Trp (NM_001160302.2); c.3496C>T, p.Arg1166Trp (NM_001160306.2); c.3754C>T, p.Arg1252Trp (NM_003895.4); short protein forms R1166W, R1197W, R1213W, R1252W.
Identifiers: ClinVar variation 1020401 (VCV001020401.9), dbSNP rs779662077, ClinGen allele CA10003303.